The following is an entry in ClinVar:

NM_004268.5(MED17):c.1493G>A (p.Gly498Glu)

Gene: MED17 (mediator complex subunit 17; plus strand). Cytogenetic location: 11q21.
Variant type: single nucleotide variant.
Coding change: c.1493G>A on transcript NM_004268.5 (MANE Select); coding-DNA position 1493, G replaced by A.
Protein change: p.Gly498Glu; replaces glycine 498 with glutamic acid.
Molecular consequence: missense variant.
Genome position (GRCh38, 1-based): chr11:93,807,544, G>A. VCF-style: chr11-93807544-G-A. GRCh37 (hg19) VCF-style: chr11-93540710-G-A.
Other names: short protein forms G498E.
Identifiers: ClinVar variation 1305590 (VCV001305590.2), dbSNP rs757765911, ClinGen allele CA6232639.

ClinVar aggregate classification (germline): Uncertain significance (1 of 4 stars; one submission).

Allele frequency attached by ClinVar (database versions not stated): gnomAD exomes below 0.00001; TOPMed below 0.00001; ExAC 0.00001; gnomAD 0.00001.

Submission:

GeneDx
Classification: Uncertain significance. Last evaluated: 2019-05-03. Review status: criteria provided, single submitter. Criteria: GeneDx Variant Classification Process June 2021. Collection method: clinical testing. Allele origin: germline. Affected: yes.
Comment: Not observed at a significant frequency in large population cohorts (Lek et al., 2016); In silico analysis, which includes protein predictors and evolutionary conservation, supports that this variant does not alter protein structure/function; Has not been previously published as pathogenic or benign to our knowledge